The following is an entry in ClinVar:

ClinVar aggregate classification (germline): Conflicting classifications of pathogenicity. Review status: criteria provided, conflicting classifications (1 of 4 stars). 3 submissions from 3 submitters: Uncertain significance (1); Likely benign (1). 1 of the submissions does not count toward it. Last evaluated 2025-08-12.

Conditions:
H syndrome. Also called: HISTIOCYTOSIS AND LYMPHADENOPATHY WITH OR WITHOUT CUTANEOUS, CARDIAC, AND/OR ENDOCRINE FEATURES, JOINT CONTRACTURES, AND/OR DEAFNESS; HYPERPIGMENTATION, CUTANEOUS, WITH HYPERTRICHOSIS, HEPATOSPLENOMEGALY, HEART ANOMALIES, AND HYPOGONADISM WITH OR WITHOUT HEARING LOSS; PIGMENTED HYPERTRICHOSIS WITH INSULIN-DEPENDENT DIABETES MELLITUS; ROSAI-DORFMAN DISEASE, FAMILIAL; SINUS HISTIOCYTOSIS AND MASSIVE LYMPHADENOPATHY; Hyperpigmentation, Cutaneous, with Hypertrichosis, Hepatosplenomegaly, Heart Anomalies, Hearing Loss, and Hypogonadism. Identifiers: Orphanet 168569, MedGen C1864445, MONDO:0011273, OMIM 602782.
SLC29A3-related disorder. Also called: SLC29A3-related condition.

Allele frequency attached by ClinVar (database versions not stated): gnomAD below 0.00001 and 0.00006; TOPMed 0.00001; gnomAD exomes 0.00010 and 0.00019; ExAC 0.00016; 1000 Genomes Project 30x 0.00047; 1000 Genomes Project 0.00060.
gnomAD v4.1: 159 of 1,613,374 alleles (0.0099%); highest among the groups gnomAD compares: South Asian, 0.17%; 3 homozygotes.

Submissions (3):

Labcorp Genetics (formerly Invitae), Labcorp
Classification: Likely benign for H syndrome. Last evaluated: 2025-08-12. Review status: criteria provided, single submitter. Criteria: Invitae Variant Classification Sherloc (09022015). Collection method: clinical testing. Allele origin: germline.

Blueprint Genetics
Classification: Uncertain significance. Last evaluated: 2024-01-17. Review status: criteria provided, single submitter. Criteria: ACMG Guidelines, 2015. Collection method: clinical testing. Allele origin: germline.

PreventionGenetics, part of Exact Sciences
Classification: Likely benign for SLC29A3-related condition. Last evaluated: 2024-02-22. Review status: no assertion criteria provided. Collection method: clinical testing. Allele origin: germline. Not counted in ClinVar's aggregate classification.
Comment: This variant is classified as likely benign based on ACMG/AMP sequence variant interpretation guidelines (Richards et al. 2015 PMID: 25741868, with internal and published modifications).

NM_018344.6(SLC29A3):c.301-6T>C

Genes: SLC29A3 (solute carrier family 29 member 3; plus strand), LOC105378353 (uncharacterized LOC105378353; minus strand). Cytogenetic location: 10q22.1.
Variant type: single nucleotide variant.
Coding change: c.301-6T>C on transcript NM_018344.6 (MANE Select); 6 bases into the intron before coding-DNA position 301, T replaced by C.
Molecular consequence: intron variant.
Genome position (GRCh38, 1-based): chr10:71,344,203, T>C. VCF-style: chr10-71344203-T-C. GRCh37 (hg19) VCF-style: chr10-73103960-T-C.
Other names: c.67-6T>C (NM_001363518.2); c.301-6T>C (NM_001174098.2).
Identifiers: ClinVar variation 713949 (VCV000713949.14), dbSNP rs571102657, ClinGen allele CA5542888.